The following is an entry in ClinVar:

NM_005732.4(RAD50):c.1688T>G (p.Leu563Ter)

Gene: RAD50 (RAD50 double strand break repair protein; plus strand). Cytogenetic location: 5q31.1.
Variant type: single nucleotide variant.
Coding change: c.1688T>G on transcript NM_005732.4 (MANE Select); coding-DNA position 1688, T replaced by G.
Protein change: p.Leu563Ter; replaces leucine 563 with a stop codon.
Molecular consequence: nonsense.
Genome position (GRCh38, 1-based): chr5:132,591,929, T>G. VCF-style: chr5-132591929-T-G. GRCh37 (hg19) VCF-style: chr5-131927621-T-G.
Other names: short protein forms L563*.
Identifiers: ClinVar variation 1778063 (VCV001778063.2), dbSNP rs2149842678, ClinGen allele CA360946438.

ClinVar aggregate classification (germline): Pathogenic (1 of 4 stars; one submission).

Conditions:
Hereditary cancer-predisposing syndrome. Also called: Neoplastic Syndromes, Hereditary; Tumor predisposition; Hereditary Cancer Syndrome; Hereditary neoplastic syndrome. Identifiers: Orphanet 140162, MedGen C0027672, MeSH D009386, MONDO:0015356.

Submission:

Ambry Genetics
Classification: Pathogenic for Hereditary cancer-predisposing syndrome. Last evaluated: 2020-01-23. Review status: criteria provided, single submitter. Criteria: Ambry Variant Classification Scheme 2023. Collection method: clinical testing. Allele origin: germline.
Comment: The p.L563* pathogenic mutation (also known as c.1688T>G), located in coding exon 11 of the RAD50 gene, results from a T to G substitution at nucleotide position 1688. This changes the amino acid from a leucine to a stop codon within coding exon 11. This alteration is expected to result in loss of function by premature protein truncation or nonsense-mediated mRNA decay. As such, this alteration is interpreted as a disease-causing mutation.